The following is an entry in ClinVar:

NM_005198.5(CHKB):c.119C>G (p.Ser40Trp)

Genes: CHKB (choline kinase beta; minus strand), CHKB-CPT1B (CHKB-CPT1B readthrough (NMD candidate); minus strand). Cytogenetic location: 22q13.33.
Variant type: single nucleotide variant.
Coding change: c.119C>G on transcript NM_005198.5 (MANE Select); coding-DNA position 119, C replaced by G.
Protein change: p.Ser40Trp; replaces serine 40 with tryptophan.
Molecular consequence: missense variant. On other transcripts: non-coding transcript variant (1).
Genome position (GRCh38, 1-based): chr22:50,582,663, G>C on the plus strand (C>G on the coding strand, the complement: CHKB is on the minus strand). VCF-style: chr22-50582663-G-C. GRCh37 (hg19) VCF-style: chr22-51021092-G-C.
Other names: short protein forms S40W.
Identifiers: ClinVar variation 1412460 (VCV001412460.4), dbSNP rs1011397890, ClinGen allele CA412203545.

ClinVar aggregate classification (germline): Uncertain significance (1 of 4 stars; one submission).

Conditions:
Megaconial type congenital muscular dystrophy (MDCMC). Also called: CHKB-Related Muscle Diseases; CHKB-Related Muscular Dystrophy; MUSCULAR DYSTROPHY, CONGENITAL, WITH MITOCHONDRIAL STRUCTURAL ABNORMALITIES. Identifiers: Orphanet 280671, MedGen C1865233, MONDO:0011246, OMIM 602541.

Submission:

Labcorp Genetics (formerly Invitae), Labcorp
Classification: Uncertain significance for Megaconial type congenital muscular dystrophy. Last evaluated: 2022-02-10. Review status: criteria provided, single submitter. Criteria: Invitae Variant Classification Sherloc (09022015). Collection method: clinical testing. Allele origin: germline.
Comment: Algorithms developed to predict the effect of missense changes on protein structure and function are either unavailable or do not agree on the potential impact of this missense change (SIFT: "Deleterious"; PolyPhen-2: "Possibly Damaging"; Align-GVGD: "Class C0"). In summary, the available evidence is currently insufficient to determine the role of this variant in disease. Therefore, it has been classified as a Variant of Uncertain Significance. This variant has not been reported in the literature in individuals affected with CHKB-related conditions. This variant is not present in population databases (gnomAD no frequency). This sequence change replaces serine, which is neutral and polar, with tryptophan, which is neutral and slightly polar, at codon 40 of the CHKB protein (p.Ser40Trp).